The following is an entry in ClinVar:

ClinVar aggregate classification (germline): Benign. Review status: criteria provided, multiple submitters, no conflicts (2 of 4 stars). 2 submissions from 2 submitters: Benign (2). Last evaluated 2018-01-12.

Conditions:
Isolated Nonsyndromic Congenital Heart Disease.

Allele frequency attached by ClinVar (database versions not stated): 1000 Genomes Project 0.00260; 1000 Genomes Project 30x 0.00297; gnomAD exomes 0.00469; gnomAD 0.00620 and 0.00635; TOPMed 0.00624.
gnomAD v4.1: 950 of 152,716 alleles (0.62%); highest among the groups gnomAD compares: Non-Finnish European, 1.1%; 2 homozygotes.

Submissions (2):

Illumina Laboratory Services, Illumina
Classification: Benign for Isolated Nonsyndromic Congenital Heart Disease. Last evaluated: 2018-01-12. Review status: criteria provided, single submitter. Criteria: ICSL Variant Classification Criteria 13 December 2019. Collection method: clinical testing. Allele origin: germline.
Comment: This variant was observed in the ICSL laboratory as part of a predisposition screen in an ostensibly healthy population. It had not been previously curated by ICSL or reported in the Human Gene Mutation Database (HGMD: prior to June 1st, 2018), and was therefore a candidate for classification through an automated scoring system. Utilizing variant allele frequency, disease prevalence and penetrance estimates, and inheritance mode, an automated score was calculated to assess if this variant is too frequent to cause the disease. Based on the score and internal cut-off values, a variant classified as benign is not then subjected to further curation. The score for this variant resulted in a classification of benign for this disease.

Breakthrough Genomics
Classification: Benign. Review status: criteria provided, single submitter. Criteria: ACMG Guidelines, 2015. Collection method: not provided. Allele origin: germline. Inheritance: Autosomal dominant inheritance. Affected: yes.

NM_000214.3(JAG1):c.*756A>G

Gene: JAG1 (jagged canonical Notch ligand 1; minus strand). Cytogenetic location: 20p12.2.
Variant type: single nucleotide variant.
Coding change: c.*756A>G on transcript NM_000214.3 (MANE Select); 756 bases downstream of the stop codon, A replaced by G.
Molecular consequence: 3 prime UTR variant.
Genome position (GRCh38, 1-based): chr20:10,638,742, T>C on the plus strand (A>G on the coding strand, the complement: JAG1 is on the minus strand). VCF-style: chr20-10638742-T-C. GRCh37 (hg19) VCF-style: chr20-10619390-T-C.
Other names: c.*756A>G (LRG_1191t1).
Identifiers: ClinVar variation 337730 (VCV000337730.6), dbSNP rs45534738, ClinGen allele CA10652947.
Genomic context (GRCh38, chr20:10,638,742, plus strand): 5'-TATTGTTTTAAAATAAACTATTTTCAAACACCTTAATTTTGGCTTATAGGCAACAAGTAA[T>C]GAGAAGAGTTCAAAAAAATAAAGCCATACGCTTACAATGCTATCAAAAACCTTCAATTCT-3'